The following is an entry in ClinVar:

NM_006231.4(POLE):c.3665A>C (p.His1222Pro)

Gene: POLE (DNA polymerase epsilon, catalytic subunit; minus strand). Cytogenetic location: 12q24.33.
Variant type: single nucleotide variant.
Coding change: c.3665A>C on transcript NM_006231.4 (MANE Select); coding-DNA position 3665, A replaced by C.
Protein change: p.His1222Pro; replaces histidine 1222 with proline.
Molecular consequence: missense variant.
Genome position (GRCh38, 1-based): chr12:132,649,807, T>G on the plus strand (A>C on the coding strand, the complement: POLE is on the minus strand). VCF-style: chr12-132649807-T-G. GRCh37 (hg19) VCF-style: chr12-133226393-T-G.
Other names: short protein forms H1222P.
Identifiers: ClinVar variation 2008530 (VCV002008530.4), dbSNP rs1593751306, ClinGen allele CA387386704.

ClinVar aggregate classification (germline): Uncertain significance (1 of 4 stars; one submission).

Submission:

Labcorp Genetics (formerly Invitae), Labcorp
Classification: Uncertain significance. Last evaluated: 2022-06-19. Review status: criteria provided, single submitter. Criteria: Invitae Variant Classification Sherloc (09022015). Collection method: clinical testing. Allele origin: germline.
Comment: This sequence change replaces histidine, which is basic and polar, with proline, which is neutral and non-polar, at codon 1222 of the POLE protein (p.His1222Pro). In summary, the available evidence is currently insufficient to determine the role of this variant in disease. Therefore, it has been classified as a Variant of Uncertain Significance. Algorithms developed to predict the effect of missense changes on protein structure and function output the following: SIFT: "Tolerated"; PolyPhen-2: "Benign"; Align-GVGD: "Class C0". The proline amino acid residue is found in multiple mammalian species, which suggests that this missense change does not adversely affect protein function. This variant has not been reported in the literature in individuals affected with POLE-related conditions. This variant is not present in population databases (gnomAD no frequency).